The following is an entry in ClinVar:

NM_201384.3(PLEC):c.5392G>A (p.Glu1798Lys)

Gene: PLEC (plectin; minus strand). Cytogenetic location: 8q24.3.
Variant type: single nucleotide variant.
Coding change: c.5392G>A on transcript NM_201384.3 (MANE Select); coding-DNA position 5392, G replaced by A.
Protein change: p.Glu1798Lys; replaces glutamic acid 1798 with lysine.
Molecular consequence: missense variant.
Genome position (GRCh38, 1-based): chr8:143,924,537, C>T on the plus strand (G>A on the coding strand, the complement: PLEC is on the minus strand). VCF-style: chr8-143924537-C-T. GRCh37 (hg19) VCF-style: chr8-144998705-C-T.
Other names: c.5473G>A, p.Glu1825Lys (NM_000445.5); c.5350G>A, p.Glu1784Lys (NM_201378.4); c.5326G>A, p.Glu1776Lys (NM_201379.3); c.5803G>A, p.Glu1935Lys (NM_201380.4); c.5296G>A, p.Glu1766Lys (NM_201381.3); c.5392G>A, p.Glu1798Lys (NM_201382.4); c.5404G>A, p.Glu1802Lys (NM_201383.3); short protein forms E1776K, E1802K, E1784K, E1825K, E1766K, E1798K, E1935K.
Identifiers: ClinVar variation 568494 (VCV000568494.10), dbSNP rs782227367, ClinGen allele CA4926375.

ClinVar aggregate classification (germline): Uncertain significance. Review status: criteria provided, multiple submitters, no conflicts (2 of 4 stars). 2 submissions from 2 submitters: Uncertain significance (2). Last evaluated 2023-08-17.

Conditions:
Epidermolysis bullosa simplex, Ogna type (EBS5A). Also called: Pidermolysis bullosa simplex 5A, Ogna type; EPIDERMOLYSIS BULLOSA SIMPLEX 5A, OGNA TYPE. Identifiers: Orphanet 79401, MedGen C0432317, MONDO:0007555, OMIM 131950.
Autosomal recessive limb-girdle muscular dystrophy type 2Q (LGMDR17). Also called: MUSCULAR DYSTROPHY, LIMB-GIRDLE, AUTOSOMAL RECESSIVE 17. Identifiers: Orphanet 254361, MedGen C3150989, MONDO:0013390, OMIM 613723.
Epidermolysis bullosa simplex 5C, with pyloric atresia (EBS5C). Also called: PLEC-Related Epidermolysis Bullosa with Pyloric Atresia; Epidermolysis bullosa simplex with pyloric atresia; PLEC1-Related Epidermolysis Bullosa with Pyloric Atresia. Identifiers: Orphanet 158684, MedGen C2677349, MONDO:0012807, OMIM 612138.
Epidermolysis bullosa simplex 5B, with muscular dystrophy (EBS5B). Also called: EPIDERMOLYSIS BULLOSA SIMPLEX AND LIMB-GIRDLE MUSCULAR DYSTROPHY; Epidermolysis bullosa simplex with muscular dystrophy. Identifiers: Orphanet 257, MedGen C2931072, MONDO:0009181, OMIM 226670.
Epidermolysis bullosa simplex with nail dystrophy (EBS5D). Identifiers: MedGen C4225309, MONDO:0014661, OMIM 616487.

Allele frequency attached by ClinVar (database versions not stated): TOPMed below 0.00001; gnomAD 0.00001; gnomAD exomes 0.00001; ExAC 0.00006.
gnomAD v4.1: 11 of 1,539,858 alleles (0.00071%); highest among the groups gnomAD compares: African/African-American, 0.0028%; no homozygotes.

Submissions (2):

Labcorp Genetics (formerly Invitae), Labcorp
Classification: Uncertain significance for Autosomal recessive limb-girdle muscular dystrophy type 2Q; Epidermolysis bullosa simplex, Ogna type; Epidermolysis bullosa simplex with nail dystrophy; Epidermolysis bullosa simplex 5C, with pyloric atresia; Epidermolysis bullosa simplex 5B, with muscular dystrophy. Last evaluated: 2023-08-17. Review status: criteria provided, single submitter. Criteria: Invitae Variant Classification Sherloc (09022015). Collection method: clinical testing. Allele origin: germline.
Comment: Advanced modeling of protein sequence and biophysical properties (such as structural, functional, and spatial information, amino acid conservation, physicochemical variation, residue mobility, and thermodynamic stability) performed at Invitae indicates that this missense variant is not expected to disrupt PLEC protein function. This sequence change replaces glutamic acid, which is acidic and polar, with lysine, which is basic and polar, at codon 1825 of the PLEC protein (p.Glu1825Lys). The frequency data for this variant in the population databases is considered unreliable, as metrics indicate poor data quality at this position in the gnomAD database. This variant has not been reported in the literature in individuals affected with PLEC-related conditions. ClinVar contains an entry for this variant (Variation ID: 568494). In summary, the available evidence is currently insufficient to determine the role of this variant in disease. Therefore, it has been classified as a Variant of Uncertain Significance.

Greenwood Genetic Center Diagnostic Laboratories, Greenwood Genetic Center
Classification: Uncertain significance. Last evaluated: 2022-06-20. Review status: criteria provided, single submitter. Criteria: ACMG Guidelines, 2015. Collection method: clinical testing. Allele origin: germline. Affected: yes.
Comment: PM2